The following is an entry in ClinVar:

ClinVar aggregate classification (germline): Uncertain significance (1 of 4 stars; one submission).

Submission:

CeGaT Center for Human Genetics Tuebingen
Classification: Uncertain significance. Last evaluated: 2022-10-01. Review status: criteria provided, single submitter. Criteria: CeGaT Center For Human Genetics Tuebingen Variant Classification Criteria Version 2. Collection method: clinical testing. Allele origin: germline. Affected: yes. Observed: 1 variant allele.
Comment: TRIO: PM2:Supporting, BP4

NM_007118.4(TRIO):c.5658G>A (p.Gln1886=)

Gene: TRIO (trio Rho guanine nucleotide exchange factor; plus strand). Cytogenetic location: 5p15.2.
Variant type: single nucleotide variant.
Coding change: c.5658G>A on transcript NM_007118.4 (MANE Select); coding-DNA position 5658, G replaced by A.
Protein change: p.Gln1886=; no amino-acid change (glutamine 1886 retained).
Molecular consequence: synonymous variant. On other transcripts: non-coding transcript variant (1).
Genome position (GRCh38, 1-based): chr5:14,462,916, G>A. VCF-style: chr5-14462916-G-A. GRCh37 (hg19) VCF-style: chr5-14463025-G-A.
Identifiers: ClinVar variation 2655331 (VCV002655331.24), dbSNP rs2533501849, ClinGen allele CA443278227.